The following is an entry in ClinVar:

ClinVar aggregate classification (germline): Pathogenic (1 of 4 stars; one submission).

Conditions:
Vanishing white matter disease. Also called: Childhood ataxia with diffuse central nervous system hypomyelination; Leukoencephalopathy with vanishing white matter; CACH/VWM syndrome; Cree leukoencehalopathy; CACH syndrome. Identifiers: Orphanet 135, Orphanet 99853, MedGen C1858991, MONDO:0800448.

Allele frequency attached by ClinVar (database versions not stated): gnomAD exomes below 0.00001.

Submission:

Victorian Clinical Genetics Services, Murdoch Childrens Research Institute
Classification: Pathogenic for Leukoencephalopathy with vanishing white matter 1. Last evaluated: 2021-05-06. Review status: criteria provided, single submitter. Criteria: ACMG Guidelines, 2015. Collection method: clinical testing. Allele origin: germline. Inheritance: Autosomal recessive inheritance. Affected: yes.
Comment: Based on the classification scheme VCGS_Germline_v1.3.4, this variant is classified as Pathogenic. Following criteria are met: 0102 - Loss of function is a known mechanism of disease in this gene and is associated with leukoencephalopathy with vanishing white matter (MIM#603896). (I) 0106 - This gene is associated with autosomal recessive disease. (I) 0201 - Variant is predicted to cause nonsense-mediated decay (NMD) and loss of protein (premature termination codon is located at least 54 nucleotides upstream of the final exon-exon junction). (SP) 0251 - This variant is heterozygous. (I) 0304 - Variant is present in gnomAD (v2) <0.01 for a recessive condition (1 heterozygote, 0 homozygotes). (SP) 0701 - Other NMD-predicted variants comparable to the one identified in this case have very strong previous evidence for pathogenicity. Multiple NMD-predicted variants have been reported compound heterozygous in affected individuals (ClinVar, PMID:15136673, 15776425, 14572143, 18263758, 15670229, 25761052). (SP) 0803 - This variant has limited previous evidence of pathogenicity in unrelated individuals. This variant has been reported in two unrelated affected individuals in a compound heterozygous state (PMID:11704758, 15136673). (SP) 1001 - This variant has strong functional evidence supporting abnormal protein function. Functional assays on lymphoblast cells derived from a patient compound heterozygous for this variant demonstrated reduced EIF2B complex guanine exchange factor (GEF) activity relative to controls (PMID:20016818). (SP) 1102 - Strong phenotype match for this individual. (I) Legend: (SP) - Supporting pathogenic, (I) - Information, (SB) - Supporting benign

Literature cited by the submitters: PubMed 11704758; PubMed 14572143; PubMed 15136673; PubMed 15670229; PubMed 15776425; PubMed 18263758; PubMed 20016818; PubMed 25761052.

NM_003907.3(EIF2B5):c.1264C>T (p.Arg422Ter)

Gene: EIF2B5 (eukaryotic translation initiation factor 2B subunit epsilon; plus strand). Cytogenetic location: 3q27.1.
Variant type: single nucleotide variant.
Coding change: c.1264C>T on transcript NM_003907.3 (MANE Select); coding-DNA position 1264, C replaced by T.
Protein change: p.Arg422Ter; replaces arginine 422 with a stop codon.
Molecular consequence: nonsense.
Genome position (GRCh38, 1-based): chr3:184,142,032, C>T. VCF-style: chr3-184142032-C-T. GRCh37 (hg19) VCF-style: chr3-183859820-C-T.
Other names: short protein forms R422*.
Identifiers: ClinVar variation 1806183 (VCV001806183.1), dbSNP rs113994076, ClinGen allele CA88843349.